The following is an entry in ClinVar:

NM_015570.4(AUTS2):c.1666A>G (p.Met556Val)

Gene: AUTS2 (activator of transcription and developmental regulator AUTS2; plus strand). Cytogenetic location: 7q11.22.
Variant type: single nucleotide variant.
Coding change: c.1666A>G on transcript NM_015570.4 (MANE Select); coding-DNA position 1666, A replaced by G.
Protein change: p.Met556Val; replaces methionine 556 with valine.
Molecular consequence: missense variant.
Genome position (GRCh38, 1-based): chr7:70,766,311, A>G. VCF-style: chr7-70766311-A-G. GRCh37 (hg19) VCF-style: chr7-70231297-A-G.
Other names: c.1666A>G, p.Met556Val (NM_001127231.3); short protein forms M556V.
Identifiers: ClinVar variation 2777664 (VCV002777664.3), dbSNP rs2484684744, ClinGen allele CA367669075.

ClinVar aggregate classification (germline): Uncertain significance (1 of 4 stars; one submission).

Allele frequency attached by ClinVar (database versions not stated): gnomAD exomes below 0.00001.
gnomAD v4.1: 1 of 1,614,098 alleles (0.000062%); highest among the groups gnomAD compares: South Asian, 0.0011%; no homozygotes.

Submission:

Labcorp Genetics (formerly Invitae), Labcorp
Classification: Uncertain significance. Last evaluated: 2023-12-18. Review status: criteria provided, single submitter. Criteria: Invitae Variant Classification Sherloc (09022015). Collection method: clinical testing. Allele origin: germline.
Comment: This sequence change replaces methionine, which is neutral and non-polar, with valine, which is neutral and non-polar, at codon 556 of the AUTS2 protein (p.Met556Val). This variant is not present in population databases (gnomAD no frequency). This variant has not been reported in the literature in individuals affected with AUTS2-related conditions. Advanced modeling of protein sequence and biophysical properties (such as structural, functional, and spatial information, amino acid conservation, physicochemical variation, residue mobility, and thermodynamic stability) performed at Invitae indicates that this missense variant is not expected to disrupt AUTS2 protein function with a negative predictive value of 80%. In summary, the available evidence is currently insufficient to determine the role of this variant in disease. Therefore, it has been classified as a Variant of Uncertain Significance.